The following is an entry in ClinVar:

NM_001105206.3(LAMA4):c.1613C>T (p.Ala538Val)

Gene: LAMA4 (laminin subunit alpha 4; minus strand). Cytogenetic location: 6q21.
Variant type: single nucleotide variant.
Coding change: c.1613C>T on transcript NM_001105206.3 (MANE Select); coding-DNA position 1613, C replaced by T.
Protein change: p.Ala538Val; replaces alanine 538 with valine.
Molecular consequence: missense variant.
Genome position (GRCh38, 1-based): chr6:112,165,215, G>A on the plus strand (C>T on the coding strand, the complement: LAMA4 is on the minus strand). VCF-style: chr6-112165215-G-A. GRCh37 (hg19) VCF-style: chr6-112486417-G-A.
Other names: p.A531V:GCG>GTG; c.1592C>T, p.Ala531Val (NM_001105207.3, NM_002290.5); short protein forms A531V, A538V.
Identifiers: ClinVar variation 213583 (VCV000213583.15), dbSNP rs782569832, ClinGen allele CA321459.

ClinVar aggregate classification (germline): Uncertain significance. Review status: criteria provided, multiple submitters, no conflicts (2 of 4 stars). 3 submissions from 3 submitters: Uncertain significance (3). Last evaluated 2025-08-12.

Conditions:
Cardiovascular phenotype. Identifiers: MedGen CN230736.
Dilated cardiomyopathy 1JJ (CMD1JJ). Identifiers: Orphanet 154, MedGen C3808935, MONDO:0014095, OMIM 615235.

Allele frequency attached by ClinVar (database versions not stated): gnomAD exomes 0.00001; ExAC 0.00001; gnomAD 0.00005 and 0.00006; TOPMed 0.00003.
gnomAD v4.1: 25 of 1,613,442 alleles (0.0015%); highest among the groups gnomAD compares: Middle Eastern, 0.033%; no homozygotes.

Submissions (3):

Ambry Genetics
Classification: Uncertain significance for Cardiovascular phenotype. Last evaluated: 2025-08-12. Review status: criteria provided, single submitter. Criteria: Ambry Variant Classification Scheme 2023. Collection method: clinical testing. Allele origin: germline.
Comment: The p.A531V variant (also known as c.1592C>T), located in coding exon 12 of the LAMA4 gene, results from a C to T substitution at nucleotide position 1592. The alanine at codon 531 is replaced by valine, an amino acid with similar properties. This amino acid position is conserved. In addition, this alteration is predicted to be tolerated by in silico analysis. Since supporting evidence is limited at this time, the clinical significance of this alteration remains unclear.

GeneDx
Classification: Uncertain significance. Last evaluated: 2023-10-18. Review status: criteria provided, single submitter. Criteria: GeneDx Variant Classification Process June 2021. Collection method: clinical testing. Allele origin: germline. Affected: yes.
Comment: Not observed at significant frequency in large population cohorts (gnomAD); In silico analysis supports that this missense variant does not alter protein structure/function; Has not been previously published as pathogenic or benign to our knowledge

Labcorp Genetics (formerly Invitae), Labcorp
Classification: Uncertain significance for Dilated cardiomyopathy 1JJ. Last evaluated: 2023-05-31. Review status: criteria provided, single submitter. Criteria: Invitae Variant Classification Sherloc (09022015). Collection method: clinical testing. Allele origin: germline.
Comment: This variant has not been reported in the literature in individuals affected with LAMA4-related conditions. This variant is present in population databases (rs782569832, gnomAD 0.008%). This sequence change replaces alanine, which is neutral and non-polar, with valine, which is neutral and non-polar, at codon 531 of the LAMA4 protein (p.Ala531Val). ClinVar contains an entry for this variant (Variation ID: 213583). In summary, the available evidence is currently insufficient to determine the role of this variant in disease. Therefore, it has been classified as a Variant of Uncertain Significance. Algorithms developed to predict the effect of missense changes on protein structure and function output the following: SIFT: "Not Available"; PolyPhen-2: "Benign"; Align-GVGD: "Not Available". The valine amino acid residue is found in multiple mammalian species, which suggests that this missense change does not adversely affect protein function.